The following is an entry in ClinVar:

NM_002485.5(NBN):c.1398-2A>G

Gene: NBN (nibrin; minus strand). Cytogenetic location: 8q21.3.
Variant type: single nucleotide variant.
Coding change: c.1398-2A>G on transcript NM_002485.5 (MANE Select); the canonical splice acceptor site of the intron before coding-DNA position 1398, A replaced by G.
Molecular consequence: splice acceptor variant.
Genome position (GRCh38, 1-based): chr8:89,953,693, T>C on the plus strand (A>G on the coding strand, the complement: NBN is on the minus strand). VCF-style: chr8-89953693-T-C. GRCh37 (hg19) VCF-style: chr8-90965921-T-C.
Other names: c.1152-2A>G (NM_001024688.3).
Identifiers: ClinVar variation 1498993 (VCV001498993.6), dbSNP rs2129704501, ClinGen allele CA371655940.

ClinVar aggregate classification (germline): Likely pathogenic (1 of 4 stars; one submission).

Conditions:
Microcephaly, normal intelligence and immunodeficiency (NBS). Also called: BERLIN BREAKAGE SYNDROME; SEEMANOVA SYNDROME II; Immunodeficiency, microcephaly with normal intelligence; Ataxia telangiectasia variant V1; Nijmegen breakage syndrome; IMMUNODEFICIENCY, MICROCEPHALY, AND CHROMOSOMAL INSTABILITY. Identifiers: Orphanet 647, MedGen C0398791, MONDO:0009623, OMIM 251260.

Submission:

Labcorp Genetics (formerly Invitae), Labcorp
Classification: Likely pathogenic for Microcephaly, normal intelligence and immunodeficiency. Last evaluated: 2021-10-06. Review status: criteria provided, single submitter. Criteria: Invitae Variant Classification Sherloc (09022015). Collection method: clinical testing. Allele origin: germline.
Comment: This sequence change affects an acceptor splice site in intron 10 of the NBN gene. It is expected to disrupt RNA splicing. Variants that disrupt the donor or acceptor splice site typically lead to a loss of protein function (PMID: 16199547), and loss-of-function variants in NBN are known to be pathogenic (PMID: 9590180, 16415040). In summary, the currently available evidence indicates that the variant is pathogenic, but additional data are needed to prove that conclusively. Therefore, this variant has been classified as Likely Pathogenic. Algorithms developed to predict the effect of sequence changes on RNA splicing suggest that this variant may disrupt the consensus splice site. This variant has not been reported in the literature in individuals affected with NBN-related conditions. This variant is not present in population databases (ExAC no frequency).

Literature cited by the submitters: PubMed 16199547; PubMed 9590180; PubMed 16415040.